The following is an entry in ClinVar:

ClinVar aggregate classification (germline): Uncertain significance (1 of 4 stars; one submission).

Conditions:
Inborn genetic diseases. Identifiers: MedGen C0950123, MeSH D030342.

Allele frequency attached by ClinVar (database versions not stated): gnomAD 0.00001; TOPMed 0.00001; ExAC 0.00007.

Submission:

Ambry Genetics
Classification: Uncertain significance for Inborn genetic diseases. Last evaluated: 2021-01-27. Review status: criteria provided, single submitter. Criteria: Ambry Variant Classification Scheme 2023. Collection method: clinical testing. Allele origin: germline.
Comment: The c.430A>G (p.M144V) alteration is located in exon 6 (coding exon 6) of the NUBPL gene. This alteration results from a A to G substitution at nucleotide position 430, causing the methionine (M) at amino acid position 144 to be replaced by a valine (V). The p.M144V alteration is predicted to be tolerated by in silico analysis. Based on insufficient or conflicting evidence, the clinical significance of this alteration remains unclear.

NM_025152.3(NUBPL):c.430A>G (p.Met144Val)

Gene: NUBPL (NUBP iron-sulfur cluster assembly factor, mitochondrial; plus strand). Cytogenetic location: 14q12.
Variant type: single nucleotide variant.
Coding change: c.430A>G on transcript NM_025152.3 (MANE Select); coding-DNA position 430, A replaced by G.
Protein change: p.Met144Val; replaces methionine 144 with valine.
Molecular consequence: missense variant. On other transcripts: non-coding transcript variant (1).
Genome position (GRCh38, 1-based): chr14:31,673,491, A>G. VCF-style: chr14-31673491-A-G. GRCh37 (hg19) VCF-style: chr14-32142697-A-G.
Other names: c.142A>G, p.Met48Val (NM_001201573.2); short protein forms M144V, M48V.
Identifiers: ClinVar variation 2405017 (VCV002405017.2), dbSNP rs761356840, ClinGen allele CA7147867.